The following is an entry in ClinVar:

NM_006186.4(NR4A2):c.512C>T (p.Ser171Phe)

Gene: NR4A2 (nuclear receptor subfamily 4 group A member 2; minus strand). Cytogenetic location: 2q24.1.
Variant type: single nucleotide variant.
Coding change: c.512C>T on transcript NM_006186.4 (MANE Select); coding-DNA position 512, C replaced by T.
Protein change: p.Ser171Phe; replaces serine 171 with phenylalanine.
Molecular consequence: missense variant.
Genome position (GRCh38, 1-based): chr2:156,329,675, G>A on the plus strand (C>T on the coding strand, the complement: NR4A2 is on the minus strand). VCF-style: chr2-156329675-G-A. GRCh37 (hg19) VCF-style: chr2-157186187-G-A.
Other names: c.323C>T, p.Ser108Phe (NM_173173.3); short protein forms S108F, S171F.
Identifiers: ClinVar variation 2429483 (VCV002429483.2), dbSNP rs2468288661, ClinGen allele CA348682258.

ClinVar aggregate classification (germline): Uncertain significance (1 of 4 stars; one submission).

Submission:

GeneDx
Classification: Uncertain significance. Last evaluated: 2025-01-31. Review status: criteria provided, single submitter. Criteria: GeneDx Variant Classification Process June 2021. Collection method: clinical testing. Allele origin: germline. Affected: yes.
Comment: Not observed at significant frequency in large population cohorts (gnomAD); In silico analysis supports that this missense variant has a deleterious effect on protein structure/function; Has not been previously published as pathogenic or benign to our knowledge